The following is an entry in ClinVar:

NM_001267550.2(TTN):c.20861C>T (p.Ala6954Val)

Genes: TTN (titin; minus strand), LOC126806428 (BRD4-independent group 4 enhancer GRCh37_chr2:179588362-179589561; plus strand). Cytogenetic location: 2q31.2.
Variant type: single nucleotide variant.
Coding change: c.20861C>T on transcript NM_001267550.2 (MANE Select); coding-DNA position 20861, C replaced by T.
Protein change: p.Ala6954Val; replaces alanine 6954 with valine.
Molecular consequence: missense variant. On other transcripts: intron variant (3).
Genome position (GRCh38, 1-based): chr2:178,724,514, G>A on the plus strand (C>T on the coding strand, the complement: TTN is on the minus strand). VCF-style: chr2-178724514-G-A. GRCh37 (hg19) VCF-style: chr2-179589241-G-A.
Other names: p.A5710V:GCA>GTA; c.19910C>T, p.Ala6637Val (NM_001256850.1); c.17129C>T, p.Ala5710Val (NM_133378.4); c.13282+13568C>T (NM_003319.4); c.13858+13568C>T (NM_133437.4); c.13657+13568C>T (NM_133432.3); short protein forms A6954V, A5710V, A6637V.
Identifiers: ClinVar variation 46677 (VCV000046677.36), dbSNP rs17355446, ClinGen allele CA282783.

ClinVar aggregate classification (germline): Benign. Review status: criteria provided, multiple submitters, no conflicts (2 of 4 stars). 23 submissions from 16 submitters: Benign (19). 4 of the submissions do not count toward it. Last evaluated 2026-02-04.

Conditions:
Dilated cardiomyopathy 1G (CMD1G). Identifiers: Orphanet 154, MedGen C1858763, MONDO:0011400, OMIM 604145.
Autosomal recessive limb-girdle muscular dystrophy type 2J (LGMDR10). Also called: MUSCULAR DYSTROPHY, LIMB-GIRDLE, AUTOSOMAL RECESSIVE 10; Limb-girdle muscular dystrophy, type 2J. Identifiers: Orphanet 140922, MedGen C1837342, MONDO:0012127, OMIM 608807.
Cardiovascular phenotype. Identifiers: MedGen CN230736.
Early-onset myopathy with fatal cardiomyopathy (CMYO5). Also called: CONGENITAL MYOPATHY 5 WITH CARDIOMYOPATHY; Salih Myopathy. Identifiers: Orphanet 289377, MedGen C2673677, MONDO:0012714, OMIM 611705. Disease mechanism: loss of function.
Myopathy, myofibrillar, 9, with early respiratory failure (MFM9). Also called: Myopathy, distal, with early respiratory failure, autosomal dominant; Hereditary myopathy with early respiratory failure; MYOPATHY, PROXIMAL, WITH EARLY RESPIRATORY MUSCLE INVOLVEMENT; EDSTROM MYOPATHY. Identifiers: Orphanet 178464, Orphanet 34521, MedGen C1863599, MONDO:0011362, OMIM 603689.
Tibial muscular dystrophy (TMD). Also called: Udd Distal Myopathy – Tibial Muscular Dystrophy; Tibial muscular dystrophy, tardive; UDD MYOPATHY. Identifiers: Orphanet 609, MedGen C1838244, MONDO:0010870, OMIM 600334.

Allele frequency attached by ClinVar (database versions not stated): TOPMed 0.03401; ExAC 0.05105; gnomAD 0.02915 and 0.03259; 1000 Genomes Project 0.05152; gnomAD exomes 0.03155 and 0.05680; 1000 Genomes Project 30x 0.04997; ESP Exome Variant Server 0.01518.
gnomAD v4.1: 50,703 of 1,600,914 alleles (3.2%); highest among the groups gnomAD compares: Admixed American, 17%; 2,128 homozygotes.

Submissions 1 to 20 of 34:

Labcorp Genetics (formerly Invitae), Labcorp
Classification: Benign for Dilated cardiomyopathy 1G; Autosomal recessive limb-girdle muscular dystrophy type 2J. Last evaluated: 2026-02-04. Review status: criteria provided, single submitter. Criteria: Invitae Variant Classification Sherloc (09022015). Collection method: clinical testing. Allele origin: germline.

Molecular Diagnostic Laboratory for Inherited Cardiovascular Disease, Montreal Heart Institute
Classification: Benign. Last evaluated: 2025-04-09. Review status: criteria provided, single submitter. Criteria: ACMG Guidelines, 2015. Collection method: clinical testing. Allele origin: germline. Affected: no.

Genome-Nilou Lab
Classification: Benign for Autosomal recessive limb-girdle muscular dystrophy type 2J. Last evaluated: 2021-09-10. Review status: criteria provided, single submitter. Criteria: ACMG Guidelines, 2015. Collection method: clinical testing. Allele origin: germline. Affected: no.

Genome-Nilou Lab
Classification: Benign for Myopathy, myofibrillar, 9, with early respiratory failure. Last evaluated: 2021-09-10. Review status: criteria provided, single submitter. Criteria: ACMG Guidelines, 2015. Collection method: clinical testing. Allele origin: germline. Affected: no.

Genome-Nilou Lab
Classification: Benign for Early-onset myopathy with fatal cardiomyopathy. Last evaluated: 2021-09-10. Review status: criteria provided, single submitter. Criteria: ACMG Guidelines, 2015. Collection method: clinical testing. Allele origin: germline. Affected: no.

Genome-Nilou Lab
Classification: Benign for Tibial muscular dystrophy. Last evaluated: 2021-09-10. Review status: criteria provided, single submitter. Criteria: ACMG Guidelines, 2015. Collection method: clinical testing. Allele origin: germline. Affected: no.

Women's Health and Genetics/Laboratory Corporation of America, LabCorp
Classification: Benign. Last evaluated: 2019-10-30. Review status: criteria provided, single submitter. Criteria: LabCorp Variant Classification Summary - May 2015. Collection method: clinical testing. Allele origin: germline.
Comment: Variant summary: TTN c.17129C>T (p.Ala5710Val) results in a non-conservative amino acid change located in the I-band of the encoded protein sequence. Four of five in-silico tools predict a benign effect of the variant on protein function. The variant allele was found at a frequency of 0.057 in 243530 control chromosomes, predominantly at a frequency of 0.18 within the Latino subpopulation in the gnomAD database, including 584 homozygotes. The observed variant frequency within Latino control individuals in the gnomAD database is approximately 288-folds over the estimated maximal expected allele frequency for a pathogenic variant in TTN causing Cardiomyopathy phenotype (0.00063), strongly suggesting that the variant is a benign polymorphism found primarily in populations of Latino origin. A ClinVar submission (evaluation after 2014) cites the variant as likely benign. Based on the evidence outlined above, the variant was classified as benign.

Illumina Laboratory Services, Illumina
Classification: Benign for Tibial muscular dystrophy. Last evaluated: 2018-01-13. Review status: criteria provided, single submitter. Criteria: ICSL Variant Classification Criteria 13 December 2019. Collection method: clinical testing. Allele origin: germline.
Comment: This variant was observed in the ICSL laboratory as part of a predisposition screen in an ostensibly healthy population. It had not been previously curated by ICSL or reported in the Human Gene Mutation Database (HGMD: prior to June 1st, 2018), and was therefore a candidate for classification through an automated scoring system. Utilizing variant allele frequency, disease prevalence and penetrance estimates, and inheritance mode, an automated score was calculated to assess if this variant is too frequent to cause the disease. Based on the score and internal cut-off values, a variant classified as benign is not then subjected to further curation. The score for this variant resulted in a classification of benign for this disease.

Illumina Laboratory Services, Illumina
Classification: Benign for Early-onset myopathy with fatal cardiomyopathy. Last evaluated: 2018-01-13. Review status: criteria provided, single submitter. Criteria: ICSL Variant Classification Criteria 13 December 2019. Collection method: clinical testing. Allele origin: germline.
Comment: the same text as in the submission from Illumina Laboratory Services, Illumina above.

Illumina Laboratory Services, Illumina
Classification: Benign for Autosomal recessive limb-girdle muscular dystrophy type 2J. Last evaluated: 2018-01-13. Review status: criteria provided, single submitter. Criteria: ICSL Variant Classification Criteria 13 December 2019. Collection method: clinical testing. Allele origin: germline.
Comment: the same text as in the submission from Illumina Laboratory Services, Illumina above.

Illumina Laboratory Services, Illumina
Classification: Benign for Myopathy, myofibrillar, 9, with early respiratory failure. Last evaluated: 2018-01-13. Review status: criteria provided, single submitter. Criteria: ICSL Variant Classification Criteria 13 December 2019. Collection method: clinical testing. Allele origin: germline.
Comment: the same text as in the submission from Illumina Laboratory Services, Illumina above.

Illumina Laboratory Services, Illumina
Classification: Benign for Dilated cardiomyopathy 1G. Last evaluated: 2018-01-13. Review status: criteria provided, single submitter. Criteria: ICSL Variant Classification Criteria 13 December 2019. Collection method: clinical testing. Allele origin: germline.
Comment: the same text as in the submission from Illumina Laboratory Services, Illumina above.

Mayo Clinic Laboratories, Mayo Clinic
Classification: Benign. Last evaluated: 2017-08-24. Review status: criteria provided, single submitter. Criteria: ACMG Guidelines, 2015. Collection method: clinical testing. Allele origin: germline. Observed: 145 variant alleles.

Biesecker Lab/Clinical Genomics Section, National Institutes of Health
Classification: Benign. Last evaluated: 2013-06-24. Review status: criteria provided, single submitter. Criteria: Ng et al. (Circ Cardiovasc Genet. 2013). Collection method: research. Allele origin: unknown. Observed: 39 variant alleles. Study: ClinSeq.
Comment: The study set was not selected for affection status in relation to any cancer. Pathogenicity categories were based on literature curation. See Pubmed ID:23861362 for details.

Medical sequencing

GeneDx
Classification: Benign. Last evaluated: 2013-04-29. Review status: criteria provided, single submitter. Criteria: GeneDx Variant Classification (06012015). Collection method: clinical testing. Allele origin: germline. Affected: yes.
Comment: This variant is considered likely benign or benign based on one or more of the following criteria: it is a conservative change, it occurs at a poorly conserved position in the protein, it is predicted to be benign by multiple in silico algorithms, and/or has population frequency not consistent with disease.

Ambry Genetics
Classification: Benign for Cardiovascular phenotype. Last evaluated: 2012-11-16. Review status: criteria provided, single submitter. Criteria: Ambry Autosomal Dominant and X-Linked criteria (10/2015). Collection method: clinical testing. Allele origin: germline. Observed: 1 variant allele.

Laboratory for Molecular Medicine, Mass General Brigham Personalized Medicine
Classification: Benign. Last evaluated: 2011-10-12. Review status: criteria provided, single submitter. Criteria: LMM Criteria. Collection method: clinical testing. Allele origin: germline. Observed: 134 variant alleles.
Comment: This variant changes an amino acid but is considered to be benign based on its h igh population frequency (>3%).

Breakthrough Genomics
Classification: Benign. Review status: criteria provided, single submitter. Criteria: ACMG Guidelines, 2015. Collection method: not provided. Allele origin: germline. Inheritance: Autosomal recessive inheritance. Affected: yes.

PreventionGenetics, part of Exact Sciences
Classification: Benign. Review status: criteria provided, single submitter. Criteria: ACMG Guidelines, 2015. Collection method: clinical testing. Allele origin: germline.

Clinical Genetics DNA and cytogenetics Diagnostics Lab, Erasmus MC, Erasmus Medical Center
Classification: Benign. Review status: no assertion criteria provided. Collection method: clinical testing. Allele origin: germline. Affected: yes. Study: VKGL Data-share Consensus. Not counted in ClinVar's aggregate classification.